The following is an entry in ClinVar:

NM_024675.4(PALB2):c.2505del (p.Val836fs)

Gene: PALB2 (partner and localizer of BRCA2; minus strand). Cytogenetic location: 16p12.2.
Variant type: Deletion.
Coding change: c.2505del on transcript NM_024675.4 (MANE Select); coding-DNA position 2505, one base deleted (C; older notation c.2505delC).
Protein change: p.Val836fs; shifts the reading frame from valine 836.
Molecular consequence: frameshift variant. On other transcripts: intron variant (1).
Genome position (GRCh38, 1-based): chr16:23,629,649, G deleted on the plus strand (C on the coding strand, the reverse complement: PALB2 is on the minus strand); the first of 2 consecutive G bases (chr16:23,629,649-23,629,650); deleting either gives the same sequence. VCF-style (leftmost placement, unchanged base first): chr16-23629648-CG-C. GRCh37 (hg19) VCF-style: chr16-23640969-CG-C.
Other names: c.2505del, p.Val836fs (NM_001407301.1, NM_001407302.1, NM_001407297.1 and 3 more transcripts); c.1620del, p.Val541fs (NM_001407304.1, NM_001407305.1, NM_001407306.1 and 5 more transcripts); c.717del, p.Val240fs (NM_001407312.1, NM_001407313.1); c.49-374del (NM_001407314.1); c.2445del, p.Val816fs (NM_001407296.1); short protein forms V240fs, V541fs, V816fs, V836fs.
Identifiers: ClinVar variation 5042196 (VCV005042196.1).

ClinVar aggregate classification (germline): Pathogenic (1 of 4 stars; one submission).

Conditions:
Familial cancer of breast. Also called: BREAST CANCER, FAMILIAL; Hereditary breast cancer; hereditary breast carcinoma. Identifiers: Orphanet 227535, MedGen C0346153, MONDO:0016419, OMIM 114480. Disease mechanism: loss of function.

Submission:

Myriad Genetics, Inc.
Classification: Pathogenic for Familial cancer of breast. Last evaluated: 2026-07-02. Review status: criteria provided, single submitter. Criteria: Myriad Autosomal Dominant, Autosomal Recessive and X-Linked Classification Criteria (2023). Collection method: clinical testing. Allele origin: unknown.
Comment: This variant is considered pathogenic. This variant creates a frameshift predicted to result in premature protein truncation.